The following is an entry in ClinVar:

ClinVar aggregate classification (germline): Uncertain significance (1 of 4 stars; one submission).

Submission:

GeneDx
Classification: Uncertain significance. Last evaluated: 2026-09-02. Review status: criteria provided, single submitter. Criteria: GeneDx Variant Classification Process June 2021. Collection method: clinical testing. Allele origin: germline.
Comment: Not observed at significant frequency in large population cohorts (gnomAD); In silico analysis supports that this missense variant has a deleterious effect on protein structure/function; Has not been previously published as pathogenic or benign to our knowledge

NM_020971.3(SPTBN4):c.3343G>A (p.Glu1115Lys)

Gene: SPTBN4 (spectrin beta, non-erythrocytic 4; plus strand). Cytogenetic location: 19q13.2.
Variant type: single nucleotide variant.
Coding change: c.3343G>A on transcript NM_020971.3 (MANE Select); coding-DNA position 3343, G replaced by A.
Protein change: p.Glu1115Lys; replaces glutamic acid 1115 with lysine.
Molecular consequence: missense variant.
Genome position (GRCh38, 1-based): chr19:40,519,840, G>A. VCF-style: chr19-40519840-G-A. GRCh37 (hg19) VCF-style: chr19-41025747-G-A.
Other names: short protein forms E1115K.
Identifiers: ClinVar variation 4530858 (VCV004530858.2).